The following is an entry in ClinVar:

ClinVar aggregate classification (germline): Pathogenic. Review status: criteria provided, multiple submitters, no conflicts (2 of 4 stars). 2 submissions from 2 submitters: Pathogenic (2). Last evaluated 2026-04-16.

Conditions:
Autosomal recessive polycystic kidney disease (ARPKD). Also called: AR polycystic kidney disease. Identifiers: Orphanet 731, Orphanet 8378, MedGen C0085548, MeSH D017044, MONDO:0009889.

gnomAD v4.1: 1 of 1,558,680 alleles (0.000064%); highest among the groups gnomAD compares: East Asian, 0.0022%; no homozygotes.

Submissions (2):

GeneDx
Classification: Pathogenic. Last evaluated: 2026-04-16. Review status: criteria provided, single submitter. Criteria: GeneDx Variant Classification Process June 2021. Collection method: clinical testing. Allele origin: germline.
Comment: Nonsense variant predicted to result in protein truncation or nonsense mediated decay in a gene for which loss of function is a known mechanism of disease; Not observed at significant frequency in large population cohorts (gnomAD); This variant is associated with the following publications: (PMID: 36833371, 34536170)

Labcorp Genetics (formerly Invitae), Labcorp
Classification: Pathogenic for Autosomal recessive polycystic kidney disease. Last evaluated: 2021-05-06. Review status: criteria provided, single submitter. Criteria: Invitae Variant Classification Sherloc (09022015). Collection method: clinical testing. Allele origin: germline.
Comment: This variant has not been reported in the literature in individuals with PKHD1-related conditions. For these reasons, this variant has been classified as Pathogenic. This variant is not present in population databases (ExAC no frequency). This sequence change creates a premature translational stop signal (p.Gln289*) in the PKHD1 gene. It is expected to result in an absent or disrupted protein product. Loss-of-function variants in PKHD1 are known to be pathogenic (PMID: 19940839).

Literature cited by the submitters: PubMed 19940839 (cited by Labcorp Genetics (formerly Invitae), Labcorp).

NM_138694.4(PKHD1):c.865C>T (p.Gln289Ter)

Gene: PKHD1 (PKHD1 ciliary IPT domain containing fibrocystin/polyductin; minus strand). Cytogenetic location: 6p12.2.
Variant type: single nucleotide variant.
Coding change: c.865C>T on transcript NM_138694.4 (MANE Select); coding-DNA position 865, C replaced by T.
Protein change: p.Gln289Ter; replaces glutamine 289 with a stop codon.
Molecular consequence: nonsense.
Genome position (GRCh38, 1-based): chr6:52,065,991, G>A on the plus strand (C>T on the coding strand, the complement: PKHD1 is on the minus strand). VCF-style: chr6-52065991-G-A. GRCh37 (hg19) VCF-style: chr6-51930789-G-A.
Other names: c.865C>T, p.Gln289Ter (NM_170724.3); c.865C>T (NM_138694.3); short protein forms Q289*.
Identifiers: ClinVar variation 1453930 (VCV001453930.7), dbSNP rs2128223979, ClinGen allele CA364430852.